The following continues an entry in ClinVar:

NM_001298.3(CNGA3):c.1279C>T (p.Arg427Cys)

Gene: CNGA3. ClinVar aggregate classification (germline): Pathogenic. Pathogenic (19).

Submissions 12 to 20 of 20:

Victorian Clinical Genetics Services, Murdoch Childrens Research Institute
Classification: Pathogenic for Achromatopsia 2. Last evaluated: 2022-03-31. Review status: criteria provided, single submitter. Criteria: ACMG Guidelines, 2015. Collection method: clinical testing. Allele origin: germline. Inheritance: Autosomal recessive inheritance.
Comment: Based on the classification scheme VCGS_Germline_v1.3.4, this variant is classified as Pathogenic. Following criteria are met: 0102 - Loss of function is a known mechanism of disease in this gene and is associated with achromatopsia 2 (MIM#216900). (I) 0106 - This gene is associated with autosomal recessive disease. (I) 0115 - Variants in this gene are known to have variable expressivity. Intrafamilial variability has been described within sibling pairs (PMID: 30682209). (I) 0200 - Variant is predicted to result in a missense amino acid change from arginine to cysteine. (I) 0251 - This variant is heterozygous. (I) 0304 - Variant is present in gnomAD (v2) <0.01 for a recessive condition (108 heterozygotes, 1 homozygote). (SP) 0309 - An alternative amino acid change at the same position has been observed in gnomAD (v2) (5 heterozygotes, 0 homozygotes). (I) 0501 - Missense variant consistently predicted to be damaging by multiple in silico tools or highly conserved with a major amino acid change. (SP) 0604 - Variant is not located in an established domain, motif, hotspot or informative constraint region. (I) 0704 - Another missense variant comparable to the one identified in this case has limited previous evidence for pathogenicity. This alternative change (p.(Arg427Leu)) has been reported as likely pathogenic (ClinVar). (SP) 0801 - This variant has very strong previous evidence of pathogenicity in unrelated individuals. This variant has been reported many times as likely pathogenic and pathogenic, and observed in compound heterozygous individuals with achromatopsia and retinal dystrophy (ClinVar, LOVD, PMID: 30653986). (SP) 1102 - Strong phenotype match for this individual. (I) Legend: (SP) - Supporting pathogenic, (I) - Information, (SB) - Supporting benign

Kariminejad - Najmabadi Pathology & Genetics Center
Classification: Pathogenic for Abnormality of the eye. Last evaluated: 2021-07-10. Review status: criteria provided, single submitter. Criteria: ACMG Guidelines, 2015. Collection method: clinical testing. Allele origin: germline. Affected: yes.

Centre for Mendelian Genomics, University Medical Centre Ljubljana
Classification: Pathogenic for Achromatopsia 2. Last evaluated: 2019-09-12. Review status: criteria provided, single submitter. Criteria: ACMG Guidelines, 2015. Collection method: clinical testing. Allele origin: unknown. Affected: yes.
Comment: This variant was classified as: Pathogenic. The following ACMG criteria were applied in classifying this variant: PP3,PP5.

Laboratory for Molecular Medicine, Mass General Brigham Personalized Medicine
Classification: Pathogenic for Achromatopsia. Last evaluated: 2018-06-05. Review status: criteria provided, single submitter. Criteria: LMM Criteria. Collection method: clinical testing. Allele origin: germline. Inheritance: Autosomal recessive inheritance. Observed: 1 variant allele.
Comment: The p.Arg427Cys variant in CNGA3 has been reported in 9 compound heterozygous in dividuals with clinical diagnosis of achromatopsia or cone-rod dystrophy (Wissin ger 2001, Koeppen 2008, Fahim 2013, Taylor 2017), and segregated in 2 affected f amily members (Koeppen 2008, Fahim 2013). This variant has also been identified in 0.15% (47/30754) of South Asian chromosomes, including 1 homozygote, by the G enome Aggregation Database (gnomAD; dbSNP rs1 41386891). Although this variant has been seen in the general population, its fr equency is low enough to be consistent with a recessive carrier frequency. In vi tro functional studies provide some evidence that the p.Arg427Cys variant may im pact protein function, resulting in a decreased channel density in the cell memb rane (Koeppen 2008, Muraki-Oda 2007). In summary, this variant is pathogenic for achromatopsia in an autosomal recessive manner. ACMG/AMP Criteria applied: PM3_ VeryStrong; PS3_Moderate; PP3; PP1.

Molecular Genetics Laboratory, Institute for Ophthalmic Research
Classification: Pathogenic for Achromatopsia. Last evaluated: 2018-03-20. Review status: criteria provided, single submitter. Criteria: ACMG Guidelines, 2015. Collection method: research. Allele origin: germline. Affected: yes.

Institute of Human Genetics, Univ. Regensburg, Univ. Regensburg
Classification: Pathogenic for Retinal dystrophy. Last evaluated: 2018-01-01. Review status: criteria provided, single submitter. Criteria: ACMG Guidelines, 2015. Collection method: clinical testing. Allele origin: germline. Affected: yes.

Eurofins Ntd Llc (ga)
Classification: Pathogenic. Last evaluated: 2016-10-28. Review status: criteria provided, single submitter. Criteria: EGL Classification Definitions 2015. Collection method: clinical testing. Allele origin: germline. Observed: 4 variant alleles, 4 heterozygotes.

Clinical Genetics Service, Universitary Hospital 12 de Octubre
Classification: Pathogenic for Achromatopsia 2. Review status: criteria provided, single submitter. Criteria: ACMG Guidelines, 2015. Collection method: clinical testing. Allele origin: germline. Affected: yes.

Joint Genome Diagnostic Labs from Nijmegen and Maastricht, Radboudumc and MUMC+
Classification: Uncertain significance for Macular dystrophy. Last evaluated: 2016-09-01. Review status: no assertion criteria provided. Collection method: clinical testing. Allele origin: unknown. Affected: yes. Observed: 1 variant allele. Not counted in ClinVar's aggregate classification.

Literature cited by the submitters: PubMed 11536077 (cited by 4 submitters); PubMed 18445228 (cited by 3 submitters); PubMed 23972307 (cited by 5 submitters); PubMed 28559085 (cited by 3 submitters); PubMed 28224992 (cited by Women's Health and Genetics/Laboratory Corporation of America, LabCorp); PubMed 17693388 (cited by 3 submitters); PubMed 30653986 (cited by Victorian Clinical Genetics Services, Murdoch Childrens Research Institute and Institute of Human Genetics, Univ. Regensburg, Univ. Regensburg); PubMed 30682209 (cited by Victorian Clinical Genetics Services, Murdoch Childrens Research Institute and Institute of Human Genetics, Univ. Regensburg, Univ. Regensburg); PubMed 28341476 (cited by Laboratory for Molecular Medicine, Mass General Brigham Personalized Medicine and Institute of Human Genetics, Univ. Regensburg, Univ. Regensburg); PubMed 30418171 (cited by Institute of Human Genetics, Univ. Regensburg, Univ. Regensburg); PubMed 31589614 (cited by Institute of Human Genetics, Univ. Regensburg, Univ. Regensburg); PubMed 31964843 (cited by Institute of Human Genetics, Univ. Regensburg, Univ. Regensburg); PubMed 34426522 (cited by Institute of Human Genetics, Univ. Regensburg, Univ. Regensburg); PubMed 34449556 (cited by Institute of Human Genetics, Univ. Regensburg, Univ. Regensburg); PubMed 35119454 (cited by Institute of Human Genetics, Univ. Regensburg, Univ. Regensburg); PubMed 35260635 (cited by Institute of Human Genetics, Univ. Regensburg, Univ. Regensburg); PubMed 35052368 (cited by Institute of Human Genetics, Univ. Regensburg, Univ. Regensburg); PubMed 35456423 (cited by Institute of Human Genetics, Univ. Regensburg, Univ. Regensburg).